The following is an entry in ClinVar:

NM_000208.4(INSR):c.2697C>T (p.Cys899=)

Gene: INSR (insulin receptor; minus strand). Cytogenetic location: 19p13.2.
Variant type: single nucleotide variant.
Coding change: c.2697C>T on transcript NM_000208.4 (MANE Select); coding-DNA position 2697, C replaced by T.
Protein change: p.Cys899=; no amino-acid change (cysteine 899 retained).
Molecular consequence: synonymous variant.
Genome position (GRCh38, 1-based): chr19:7,132,303, G>A on the plus strand (C>T on the coding strand, the complement: INSR is on the minus strand). VCF-style: chr19-7132303-G-A. GRCh37 (hg19) VCF-style: chr19-7132314-G-A.
Other names: c.2661C>T, p.Cys887= (NM_001079817.3).
Identifiers: ClinVar variation 2649153 (VCV002649153.26), dbSNP rs191340770, ClinGen allele CA9135473.

ClinVar aggregate classification (germline): Benign/Likely benign. Review status: criteria provided, multiple submitters, no conflicts (2 of 4 stars). 2 submissions from 2 submitters: Benign (1); Likely benign (1). Last evaluated 2026-01-15.

Allele frequency attached by ClinVar (database versions not stated): TOPMed 0.00007; gnomAD 0.00010; ExAC 0.00015; 1000 Genomes Project 30x 0.00031; 1000 Genomes Project 0.00040.
gnomAD v4.1: 73 of 1,614,032 alleles (0.0045%); highest among the groups gnomAD compares: East Asian, 0.13%; no homozygotes.

Submissions (2):

Labcorp Genetics (formerly Invitae), Labcorp
Classification: Benign. Last evaluated: 2026-01-15. Review status: criteria provided, single submitter. Criteria: Invitae Variant Classification Sherloc (09022015). Collection method: clinical testing. Allele origin: germline.

CeGaT Center for Human Genetics Tuebingen
Classification: Likely benign. Last evaluated: 2023-02-01. Review status: criteria provided, single submitter. Criteria: CeGaT Center For Human Genetics Tuebingen Variant Classification Criteria Version 2. Collection method: clinical testing. Allele origin: germline. Affected: yes. Observed: 1 variant allele.
Comment: INSR: BP4, BP7